The following is an entry in ClinVar:

ClinVar aggregate classification (germline): Pathogenic. Review status: no assertion criteria provided (0 of 4 stars). 2 submissions from 2 submitters: Pathogenic (1). 1 of the submissions does not count toward it. Last evaluated 2005-01-01.

Conditions:
Hyperimmunoglobulin D with periodic fever (HIDS). Also called: Hyperimmunoglobulinemia D; Hyperimmunoglobulinemia D with periodic fever; HYPERIMMUNOGLOBULINEMIA D AND PERIODIC FEVER SYNDROME. Identifiers: Orphanet 343, MedGen C0398691, MONDO:0009849, OMIM 260920.

Submissions (2):

OMIM
Classification: Pathogenic for HYPER-IgD SYNDROME. Last evaluated: 2005-01-01. Review status: no assertion criteria provided. Collection method: literature only. Allele origin: germline.

Unité médicale des maladies autoinflammatoires, CHRU Montpellier
No classification provided. Condition: Hyperimmunoglobulin D with periodic fever. Review status: no classification provided. Collection method: not provided. Allele origin: unknown. Not counted in ClinVar's aggregate classification.
Comment: also involved in OMIM 25117

Literature cited by the submitters: PubMed 16435210 (cited by OMIM).

NM_000431.4(MVK):c.421dup (p.Ala141fs)

Gene: MVK (mevalonate kinase; plus strand). Cytogenetic location: 12q24.11.
Variant type: Duplication.
Coding change: c.421dup on transcript NM_000431.4 (MANE Select); coding-DNA position 421, one base duplicated (G; older notation c.421dupG).
Protein change: p.Ala141fs; shifts the reading frame from alanine 141.
Molecular consequence: frameshift variant. On other transcripts: intron variant (1).
Genome position (GRCh38, 1-based): chr12:109,581,444, G duplicated; the last of 4 consecutive G bases (chr12:109,581,441-109,581,444); duplicating any one gives the same sequence. VCF-style (leftmost placement, unchanged base first): chr12-109581440-C-CG. GRCh37 (hg19) VCF-style: chr12-110019245-C-CG.
Other names: c.421dup, p.Ala141fs (NM_001114185.3); c.371+1498dup (NM_001301182.2); c.421_422insG (LRG_156t1); short protein forms A141fs.
Identifiers: ClinVar variation 88837 (VCV000088837.1), dbSNP rs104895323, ClinGen allele CA149830.